The following is an entry in ClinVar:

ClinVar aggregate classification (germline): Uncertain significance. Review status: criteria provided, multiple submitters, no conflicts (2 of 4 stars). 5 submissions from 5 submitters: Uncertain significance (5). Last evaluated 2025-12-31.

Conditions:
Noonan syndrome 8 (NS8). Identifiers: Orphanet 648, MedGen C3809233, MONDO:0014143, OMIM 615355.
Cardiovascular phenotype. Identifiers: MedGen CN230736.

Allele frequency attached by ClinVar (database versions not stated): gnomAD 0.00001; gnomAD exomes 0.00001; ExAC 0.00002; TOPMed 0.00002; ESP Exome Variant Server 0.00008.
gnomAD v4.1: 14 of 1,613,750 alleles (0.00087%); highest among the groups gnomAD compares: South Asian, 0.0055%; 1 homozygote.

Submissions (5):

Labcorp Genetics (formerly Invitae), Labcorp
Classification: Uncertain significance for Noonan syndrome 8. Last evaluated: 2025-12-31. Review status: criteria provided, single submitter. Criteria: Invitae Variant Classification Sherloc (09022015). Collection method: clinical testing. Allele origin: germline.
Comment: This sequence change replaces arginine, which is basic and polar, with cysteine, which is neutral and slightly polar, at codon 112 of the RIT1 protein (p.Arg112Cys). This variant is present in population databases (rs375724784, gnomAD 0.02%). This variant has not been reported in the literature in individuals affected with RIT1-related conditions. ClinVar contains an entry for this variant (Variation ID: 404258). Invitae Evidence Modeling incorporating data from in vitro experimental studies (internal data) indicates that this missense variant is not expected to disrupt RIT1 function with a negative predictive value of 95%. In summary, the available evidence is currently insufficient to determine the role of this variant in disease. Therefore, it has been classified as a Variant of Uncertain Significance.

Ambry Genetics
Classification: Uncertain significance for Cardiovascular phenotype. Last evaluated: 2023-05-18. Review status: criteria provided, single submitter. Criteria: Ambry Variant Classification Scheme 2023. Collection method: clinical testing. Allele origin: germline.
Comment: The p.R112C variant (also known as c.334C>T), located in coding exon 4 of the RIT1 gene, results from a C to T substitution at nucleotide position 334. The arginine at codon 112 is replaced by cysteine, an amino acid with highly dissimilar properties. This amino acid position is highly conserved in available vertebrate species. In addition, the in silico prediction for this alteration is inconclusive. Since supporting evidence is limited at this time, the clinical significance of this alteration remains unclear.

Genome-Nilou Lab
Classification: Uncertain significance for Noonan syndrome 8. Last evaluated: 2023-04-11. Review status: criteria provided, single submitter. Criteria: ACMG Guidelines, 2015. Collection method: clinical testing. Allele origin: germline. Affected: no.

Fulgent Genetics
Classification: Uncertain significance for Noonan syndrome 8. Last evaluated: 2021-08-25. Review status: criteria provided, single submitter. Criteria: ACMG Guidelines, 2015. Collection method: clinical testing. Allele origin: unknown.

Baylor Genetics
Classification: Uncertain significance for Noonan syndrome 8. Last evaluated: 2021-05-27. Review status: criteria provided, single submitter. Criteria: ACMG Guidelines, 2015. Collection method: clinical testing. Allele origin: unknown.

NM_006912.6(RIT1):c.334C>T (p.Arg112Cys)

Gene: RIT1 (Ras like without CAAX 1; minus strand). Cytogenetic location: 1q22.
Variant type: single nucleotide variant.
Coding change: c.334C>T on transcript NM_006912.6 (MANE Select); coding-DNA position 334, C replaced by T.
Protein change: p.Arg112Cys; replaces arginine 112 with cysteine.
Molecular consequence: missense variant.
Genome position (GRCh38, 1-based): chr1:155,904,406, G>A on the plus strand (C>T on the coding strand, the complement: RIT1 is on the minus strand). VCF-style: chr1-155904406-G-A. GRCh37 (hg19) VCF-style: chr1-155874197-G-A.
Other names: c.334C>T, p.Arg112Cys (LRG_1372t1); c.334C>T (NM_006912.4); c.226C>T, p.Arg76Cys (NM_001256820.2); c.385C>T, p.Arg129Cys (NM_001256821.2); short protein forms R112C, R129C, R76C.
Identifiers: ClinVar variation 404258 (VCV000404258.13), dbSNP rs375724784, ClinGen allele CA1151808.